The following is an entry in ClinVar:

ClinVar aggregate classification (germline): Uncertain significance (1 of 4 stars; one submission).

Submission:

GeneDx
Classification: Uncertain significance. Last evaluated: 2023-04-12. Review status: criteria provided, single submitter. Criteria: GeneDx Variant Classification Process June 2021. Collection method: clinical testing. Allele origin: germline. Affected: yes.
Comment: In silico analysis supports that this missense variant has a deleterious effect on protein structure/function; Has not been previously published as pathogenic or benign to our knowledge

NM_001291415.2(KDM6A):c.946G>A (p.Ala316Thr)

Gene: KDM6A (lysine demethylase 6A; plus strand). Cytogenetic location: Xp11.3.
Variant type: single nucleotide variant.
Coding change: c.946G>A on transcript NM_001291415.2 (MANE Select); coding-DNA position 946, G replaced by A.
Protein change: p.Ala316Thr; replaces alanine 316 with threonine.
Molecular consequence: missense variant. On other transcripts: non-coding transcript variant (1).
Genome position (GRCh38, 1-based): chrX:45,059,076, G>A. VCF-style: chrX-45059076-G-A. GRCh37 (hg19) VCF-style: chrX-44918321-G-A.
Other names: c.946G>A, p.Ala316Thr (NM_001291416.2, NM_001291417.2, NM_001291418.2 and 9 more transcripts); c.193G>A, p.Ala65Thr (NM_001291421.2); short protein forms A316T, A65T.
Identifiers: ClinVar variation 3343113 (VCV003343113.1).